The following is an entry in ClinVar:

ClinVar aggregate classification (germline): Pathogenic. Review status: criteria provided, single submitter (1 of 4 stars). 2 submissions from 2 submitters: Pathogenic (1). 1 of the submissions does not count toward it. Last evaluated 2022-07-05.

Conditions:
Bardet-Biedl syndrome (BBS). Identifiers: Orphanet 110, MedGen C0752166, MONDO:0015229.
Bardet-Biedl syndrome 12 (BBS12). Identifiers: Orphanet 110, MedGen C1859570, MONDO:0014440, OMIM 615989.

Submissions (2):

Labcorp Genetics (formerly Invitae), Labcorp
Classification: Pathogenic for Bardet-Biedl syndrome. Last evaluated: 2022-07-05. Review status: criteria provided, single submitter. Criteria: Invitae Variant Classification Sherloc (09022015). Collection method: clinical testing. Allele origin: germline.
Comment: For these reasons, this variant has been classified as Pathogenic. This variant disrupts a region of the BBS12 protein in which other variant(s) (p.Arg675*) have been determined to be pathogenic (PMID: 20827784, 21642631). This suggests that this is a clinically significant region of the protein, and that variants that disrupt it are likely to be disease-causing. ClinVar contains an entry for this variant (Variation ID: 555788). This variant has not been reported in the literature in individuals affected with BBS12-related conditions. This variant is not present in population databases (gnomAD no frequency). This sequence change creates a premature translational stop signal (p.Gln443Cysfs*22) in the BBS12 gene. While this is not anticipated to result in nonsense mediated decay, it is expected to disrupt the last 268 amino acid(s) of the BBS12 protein.

Counsyl
Classification: Likely pathogenic for Bardet-Biedl syndrome 12. Last evaluated: 2017-12-28. Review status: no assertion criteria provided. Collection method: clinical testing. Allele origin: unknown. Not counted in ClinVar's aggregate classification.

Literature cited by the submitters: PubMed 20827784 (cited by Labcorp Genetics (formerly Invitae), Labcorp); PubMed 21642631 (cited by Labcorp Genetics (formerly Invitae), Labcorp).

NM_152618.3(BBS12):c.1320_1326dup (p.Gln443fs)

Gene: BBS12 (Bardet-Biedl syndrome 12; plus strand). Cytogenetic location: 4q27.
Variant type: Duplication.
Coding change: c.1320_1326dup on transcript NM_152618.3 (MANE Select); coding-DNA positions 1320 to 1326, 7 bases duplicated (TGTGATG; older notation c.1320_1326dupTGTGATG).
Protein change: p.Gln443fs; shifts the reading frame from glutamine 443.
Molecular consequence: frameshift variant.
Genome position (GRCh38, 1-based): chr4:122,743,212-122,743,218, TGTGATG duplicated; duplicating any 7 consecutive bases within chr4:122,743,211-122,743,218 gives the same sequence; the c. name uses the placement nearest the transcript's 3' end. VCF-style (leftmost placement, unchanged base first): chr4-122743210-A-AGTGTGAT. GRCh37 (hg19) VCF-style: chr4-123664365-A-AGTGTGAT.
Other names: c.1320_1326dup, p.Gln443fs (NM_001178007.2); short protein forms Q443fs.
Identifiers: ClinVar variation 555788 (VCV000555788.8), dbSNP rs1553941433, ClinGen allele CA658821376.